The following is an entry in ClinVar:

NM_001145475.3(FAM186A):c.4449C>G (p.Leu1483=)

Gene: FAM186A (family with sequence similarity 186 member A; minus strand). Cytogenetic location: 12q13.12.
Variant type: single nucleotide variant.
Coding change: c.4449C>G on transcript NM_001145475.3 (MANE Select); coding-DNA position 4449, C replaced by G.
Protein change: p.Leu1483=; no amino-acid change (leucine 1483 retained).
Molecular consequence: synonymous variant.
Genome position (GRCh38, 1-based): chr12:50,352,383, G>C on the plus strand (C>G on the coding strand, the complement: FAM186A is on the minus strand). VCF-style: chr12-50352383-G-C. GRCh37 (hg19) VCF-style: chr12-50746166-G-C.
Identifiers: ClinVar variation 2642986 (VCV002642986.24), dbSNP rs368983791, ClinGen allele CA236759165.
Genomic context (GRCh38, chr12:50,352,383, plus strand): 5'-CAGGGCCTGGGCCTGCTGAGGGGTGAGAGGGATCCCCAATTCCTGAGCCTGCGGAGGGAT[G>C]AGAGGGATCCCCAGGGCCTGGGCCTGCTGAGGGGTGAGAGGGATCCCCAATTCCTGAGCC-3'
Protein context (NP_001138947.1, residues 1473-1493): PQQAQALGIP[Leu1483=]IPPQAQELGI

ClinVar aggregate classification (germline): Likely benign (1 of 4 stars; one submission).

Allele frequency attached by ClinVar (database versions not stated): gnomAD 0.00002.

Submission:

CeGaT Center for Human Genetics Tuebingen
Classification: Likely benign. Last evaluated: 2023-01-01. Review status: criteria provided, single submitter. Criteria: CeGaT Center For Human Genetics Tuebingen Variant Classification Criteria Version 2. Collection method: clinical testing. Allele origin: germline. Affected: yes. Observed: 1 variant allele.
Comment: FAM186A: BP4, BP7